The following is an entry in ClinVar:

ClinVar aggregate classification (germline): Uncertain significance (1 of 4 stars; one submission).

Submission:

Labcorp Genetics (formerly Invitae), Labcorp
Classification: Uncertain significance. Last evaluated: 2025-04-19. Review status: criteria provided, single submitter. Criteria: Invitae Variant Classification Sherloc (09022015). Collection method: clinical testing. Allele origin: germline.
Comment: This sequence change replaces aspartic acid, which is acidic and polar, with tyrosine, which is neutral and polar, at codon 322 of the OTULIN protein (p.Asp322Tyr). This variant is not present in population databases (gnomAD no frequency). This variant has not been reported in the literature in individuals affected with OTULIN-related conditions. Invitae Evidence Modeling of protein sequence and biophysical properties (such as structural, functional, and spatial information, amino acid conservation, physicochemical variation, residue mobility, and thermodynamic stability) indicates that this missense variant is not expected to disrupt OTULIN protein function with a negative predictive value of 80%. In summary, the available evidence is currently insufficient to determine the role of this variant in disease. Therefore, it has been classified as a Variant of Uncertain Significance.

NM_138348.6(OTULIN):c.964G>T (p.Asp322Tyr)

Gene: OTULIN (OTU deubiquitinase with linear linkage specificity; plus strand). Cytogenetic location: 5p15.2.
Variant type: single nucleotide variant.
Coding change: c.964G>T on transcript NM_138348.6 (MANE Select); coding-DNA position 964, G replaced by T.
Protein change: p.Asp322Tyr; replaces aspartic acid 322 with tyrosine.
Molecular consequence: missense variant.
Genome position (GRCh38, 1-based): chr5:14,692,953, G>T. VCF-style: chr5-14692953-G-T. GRCh37 (hg19) VCF-style: chr5-14693062-G-T.
Other names: short protein forms D322Y.
Identifiers: ClinVar variation 4745345 (VCV004745345.1).